The following is an entry in ClinVar:

NM_001080449.3(DNA2):c.2926del (p.Ile976fs)

Gene: DNA2 (DNA replication helicase/nuclease 2; minus strand). Cytogenetic location: 10q21.3.
Variant type: Deletion.
Coding change: c.2926del on transcript NM_001080449.3 (MANE Select); coding-DNA position 2926, one base deleted (A; older notation c.2926delA).
Protein change: p.Ile976fs; shifts the reading frame from isoleucine 976.
Molecular consequence: frameshift variant. On other transcripts: non-coding transcript variant (1).
Genome position (GRCh38, 1-based): chr10:68,419,075, T deleted on the plus strand (A on the coding strand, the reverse complement: DNA2 is on the minus strand). VCF-style (leftmost placement, unchanged base first): chr10-68419074-AT-A. GRCh37 (hg19) VCF-style: chr10-70178831-AT-A.
Other names: short protein forms I976fs.
Identifiers: ClinVar variation 3772589 (VCV003772589.13).

ClinVar aggregate classification (germline): Uncertain significance (1 of 4 stars; one submission).

Submission:

CeGaT Center for Human Genetics Tuebingen
Classification: Uncertain significance. Last evaluated: 2025-02-01. Review status: criteria provided, single submitter. Criteria: CeGaT Center For Human Genetics Tuebingen Variant Classification Criteria Version 2. Collection method: clinical testing. Allele origin: germline. Affected: yes. Observed: 1 variant allele.
Comment: DNA2: PM2